The following is an entry in ClinVar:

ClinVar aggregate classification (germline): Uncertain significance. Review status: criteria provided, multiple submitters, no conflicts (2 of 4 stars). 2 submissions from 2 submitters: Uncertain significance (2). Last evaluated 2024-12-24.

Conditions:
Catecholaminergic polymorphic ventricular tachycardia 1. Also called: VENTRICULAR TACHYCARDIA, CATECHOLAMINERGIC POLYMORPHIC, 1, WITH OR WITHOUT ATRIAL DYSFUNCTION AND/OR DILATED CARDIOMYOPATHY; VENTRICULAR TACHYCARDIA, STRESS-INDUCED POLYMORPHIC 1; RYR2-Related Catecholaminergic Polymorphic Ventricular Tachycardia. Identifiers: Orphanet 3286, MedGen C1631597, MONDO:0011484, OMIM 604772.
Catecholaminergic polymorphic ventricular tachycardia (CVPT). Also called: Catecholamine-induced polymorphic ventricular tachycardia. Identifiers: Orphanet 3286, MedGen C5574922, MONDO:0017990.

Allele frequency attached by ClinVar (database versions not stated): ExAC below 0.00001; gnomAD 0.00001; TOPMed 0.00001.
gnomAD v4.1: 13 of 1,599,244 alleles (0.00081%); highest among the groups gnomAD compares: East Asian, 0.0022%; no homozygotes.

Submissions (2):

Labcorp Genetics (formerly Invitae), Labcorp
Classification: Uncertain significance for Catecholaminergic polymorphic ventricular tachycardia 1. Last evaluated: 2024-12-24. Review status: criteria provided, single submitter. Criteria: Invitae Variant Classification Sherloc (09022015). Collection method: clinical testing. Allele origin: germline.
Comment: This sequence change replaces arginine, which is basic and polar, with histidine, which is basic and polar, at codon 2258 of the RYR2 protein (p.Arg2258His). The frequency data for this variant in the population databases is considered unreliable, as metrics indicate poor data quality at this position in the gnomAD database. This variant has not been reported in the literature in individuals affected with RYR2-related conditions. ClinVar contains an entry for this variant (Variation ID: 948383). Invitae Evidence Modeling of protein sequence and biophysical properties (such as structural, functional, and spatial information, amino acid conservation, physicochemical variation, residue mobility, and thermodynamic stability) has been performed for this missense variant. However, the output from this modeling did not meet the statistical confidence thresholds required to predict the impact of this variant on RYR2 protein function. In summary, the available evidence is currently insufficient to determine the role of this variant in disease. Therefore, it has been classified as a Variant of Uncertain Significance.

All of Us Research Program, National Institutes of Health
Classification: Uncertain significance for Catecholaminergic polymorphic ventricular tachycardia. Last evaluated: 2023-12-13. Review status: criteria provided, single submitter. Criteria: ACMG Guidelines, 2015. Collection method: clinical testing. Allele origin: germline. Inheritance: Autosomal dominant inheritance. Observed: 1 variant allele, 1 heterozygote.
Comment: This missense variant replaces arginine with histidine at codon 2258 of the RYR2 protein. Computational prediction is inconclusive regarding the impact of this variant on protein structure and function (internally defined REVEL score threshold 0.5 < inconclusive < 0.7, PMID: 27666373). To our knowledge, functional studies have not been reported for this variant. This variant has not been reported in individuals affected with RYR2-related disorders in the literature. This variant has not been identified in the general population by the Genome Aggregation Database (gnomAD). The available evidence is insufficient to determine the role of this variant in disease conclusively. Therefore, this variant is classified as a Variant of Uncertain Significance.

This study involves interpretation of variants in research participants for the purpose of population health screening. Participant phenotype was not available at the time of variant classification. Additional details can be found in publication PMID: 35346344, PMCID: PMC8962531

NM_001035.3(RYR2):c.6773G>A (p.Arg2258His)

Gene: RYR2 (ryanodine receptor 2; plus strand). Cytogenetic location: 1q43.
Variant type: single nucleotide variant.
Coding change: c.6773G>A on transcript NM_001035.3 (MANE Select); coding-DNA position 6773, G replaced by A.
Protein change: p.Arg2258His; replaces arginine 2258 with histidine.
Molecular consequence: missense variant.
Genome position (GRCh38, 1-based): chr1:237,634,973, G>A. VCF-style: chr1-237634973-G-A. GRCh37 (hg19) VCF-style: chr1-237798273-G-A.
Other names: short protein forms R2258H.
Identifiers: ClinVar variation 948383 (VCV000948383.12), dbSNP rs779289104, ClinGen allele CA087207.